The following is an entry in ClinVar:

NM_001142800.2(EYS):c.7459G>A (p.Val2487Met)

Gene: EYS (EGF-like photoreceptor maintenance factor; minus strand). Cytogenetic location: 6q12.
Variant type: single nucleotide variant.
Coding change: c.7459G>A on transcript NM_001142800.2 (MANE Select); coding-DNA position 7459, G replaced by A.
Protein change: p.Val2487Met; replaces valine 2487 with methionine.
Molecular consequence: missense variant.
Genome position (GRCh38, 1-based): chr6:63,789,177, C>T on the plus strand (G>A on the coding strand, the complement: EYS is on the minus strand). VCF-style: chr6-63789177-C-T. GRCh37 (hg19) VCF-style: chr6-64499070-C-T.
Other names: c.7459G>A, p.Val2487Met (NM_001292009.2); short protein forms V2487M.
Identifiers: ClinVar variation 841265 (VCV000841265.6), dbSNP rs1204307982, ClinGen allele CA364385972.

ClinVar aggregate classification (germline): Uncertain significance. Review status: criteria provided, multiple submitters, no conflicts (2 of 4 stars). 4 submissions from 4 submitters: Uncertain significance (3). 1 of the submissions does not count toward it. Last evaluated 2024-08-05.

Conditions:
Retinitis pigmentosa 25 (RP25). Identifiers: Orphanet 791, MedGen C1864446, MONDO:0011272, OMIM 602772.
Inborn genetic diseases. Identifiers: MedGen C0950123, MeSH D030342.

Allele frequency attached by ClinVar (database versions not stated): gnomAD exomes below 0.00001 and 0.00002; TOPMed 0.00005.
gnomAD v4.1: 5 of 1,551,820 alleles (0.00032%); highest among the groups gnomAD compares: Admixed American, 0.0059%; no homozygotes.

Submissions (4):

Blueprint Genetics
Classification: Uncertain significance. Last evaluated: 2024-08-05. Review status: criteria provided, single submitter. Criteria: ACMG Guidelines, 2015. Collection method: clinical testing. Allele origin: germline.

Ambry Genetics
Classification: Uncertain significance for Inborn genetic diseases. Last evaluated: 2023-07-17. Review status: criteria provided, single submitter. Criteria: Ambry Variant Classification Scheme 2023. Collection method: clinical testing. Allele origin: germline.

Labcorp Genetics (formerly Invitae), Labcorp
Classification: Uncertain significance. Last evaluated: 2022-01-11. Review status: criteria provided, single submitter. Criteria: Invitae Variant Classification Sherloc (09022015). Collection method: clinical testing. Allele origin: germline.
Comment: This sequence change replaces valine, which is neutral and non-polar, with methionine, which is neutral and non-polar, at codon 2487 of the EYS protein (p.Val2487Met). This variant is present in population databases (no rsID available, gnomAD 0.008%). This variant has not been reported in the literature in individuals affected with EYS-related conditions. ClinVar contains an entry for this variant (Variation ID: 841265). Algorithms developed to predict the effect of missense changes on protein structure and function are either unavailable or do not agree on the potential impact of this missense change (SIFT: "Deleterious"; PolyPhen-2: "Probably Damaging"; Align-GVGD: "Class C0"). In summary, the available evidence is currently insufficient to determine the role of this variant in disease. Therefore, it has been classified as a Variant of Uncertain Significance.

Natera, Inc.
Classification: Uncertain significance for Retinitis pigmentosa type 25. Last evaluated: 2020-02-13. Review status: no assertion criteria provided. Collection method: clinical testing. Allele origin: germline. Not counted in ClinVar's aggregate classification.